The following is an entry in ClinVar:

NM_020458.4(TTC7A):c.1066-474G>A

Gene: TTC7A (tetratricopeptide repeat domain 7A; plus strand). Cytogenetic location: 2p21.
Variant type: single nucleotide variant.
Coding change: c.1066-474G>A on transcript NM_020458.4 (MANE Select); 474 bases into the intron before coding-DNA position 1066, G replaced by A.
Molecular consequence: intron variant.
Genome position (GRCh38, 1-based): chr2:47,005,448, G>A. VCF-style: chr2-47005448-G-A. GRCh37 (hg19) VCF-style: chr2-47232587-G-A.
Other names: c.964-474G>A (NM_001288953.2); c.1066-474G>A (NM_001288951.2); c.4-474G>A (NM_001288955.2).
Identifiers: ClinVar variation 2688274 (VCV002688274.2), dbSNP rs55839799, ClinGen allele CA11249807.

ClinVar aggregate classification (germline): Benign (1 of 4 stars; one submission).

Allele frequency attached by ClinVar (database versions not stated): TOPMed 0.10650; gnomAD 0.10986; 1000 Genomes Project 0.07688; 1000 Genomes Project 30x 0.07745.
gnomAD v4.1: 16,658 of 152,188 alleles (11%); highest among the groups gnomAD compares: Admixed American, 14%; 1,086 homozygotes.

Submission:

Unidad de Genómica Garrahan, Hospital de Pediatría Garrahan
Classification: Benign. Last evaluated: 2024-01-24. Review status: criteria provided, single submitter. Criteria: ACMG Guidelines, 2015. Collection method: clinical testing. Allele origin: germline. Affected: no. Observed: 26 variant alleles.
Comment: This variant is classified as Benign based on local population frequency. This variant was detected in 27% of patients studied by a panel of primary immunodeficiencies. Number of patients: 26. Only high quality variants are reported.